The following is an entry in ClinVar:

ClinVar aggregate classification (germline): Pathogenic (1 of 4 stars; one submission).
ClinVar aggregate classification (somatic clinical impact): Tier II - Potential (1 of 4 stars; one submission).

Conditions:
Medulloblastoma non-WNT/non-SHH group 3. Identifiers: MedGen C4330665, MONDO:0956966.

Submissions (2):

Institute for Genomic Medicine (IGM) Clinical Laboratory, Nationwide Children's Hospital
Classification: Tier II - Potential for Medulloblastoma non-WNT/non-SHH group 3. Assertion type: diagnostic. Clinical significance: supports diagnosis. Last evaluated: 2024-10-21. Review status: criteria provided, single submitter. Criteria: AMP/ASCO/CAP Guidelines, 2017. Collection method: clinical testing. Allele origin: somatic. Affected: yes.
Comment: Variant has Tier II (potential) clinical significance as a diagnostic inclusion criterion in medulloblastoma non-WNT/non-SHH group 3, based on the following evidence: 1) Information in the literature supports potential biologic effect of variant (PMIDs: 22820256, 22832583, 25724843, 38057330). 2) Diagnostic significance based on multiple small studies (Evidence Level C; PMIDs: 22820256, 22832583, 22722829, 28726821).

GeneDx
Classification: Pathogenic. Last evaluated: 2023-08-07. Review status: criteria provided, single submitter. Criteria: GeneDx Variant Classification Process June 2021. Collection method: clinical testing. Allele origin: germline. Affected: yes.
Comment: Not observed at significant frequency in large population cohorts (gnomAD); In silico analysis supports that this missense variant has a deleterious effect on protein structure/function; Has not been previously published as pathogenic or benign to our knowledge

Literature cited by the submitters: PubMed 22820256 (cited by Institute for Genomic Medicine (IGM) Clinical Laboratory, Nationwide Children's Hospital); PubMed 22832583 (cited by Institute for Genomic Medicine (IGM) Clinical Laboratory, Nationwide Children's Hospital); PubMed 25724843 (cited by Institute for Genomic Medicine (IGM) Clinical Laboratory, Nationwide Children's Hospital); PubMed 38057330 (cited by Institute for Genomic Medicine (IGM) Clinical Laboratory, Nationwide Children's Hospital); PubMed 22722829 (cited by Institute for Genomic Medicine (IGM) Clinical Laboratory, Nationwide Children's Hospital); PubMed 28726821 (cited by Institute for Genomic Medicine (IGM) Clinical Laboratory, Nationwide Children's Hospital).

NM_001356.5(DDX3X):c.820C>G (p.Pro274Ala)

Gene: DDX3X (DEAD-box helicase 3 X-linked; plus strand). Cytogenetic location: Xp11.4.
Variant type: single nucleotide variant.
Coding change: c.820C>G on transcript NM_001356.5 (MANE Select); coding-DNA position 820, C replaced by G.
Protein change: p.Pro274Ala; replaces proline 274 with alanine.
Molecular consequence: missense variant. On other transcripts: non-coding transcript variant (1).
Genome position (GRCh38, 1-based): chrX:41,344,084, C>G. VCF-style: chrX-41344084-C-G. GRCh37 (hg19) VCF-style: chrX-41203337-C-G.
Other names: c.820C>G, p.Pro274Ala (NM_001193416.3); c.772C>G, p.Pro258Ala (NM_001193417.3); c.262C>G, p.Pro88Ala (NM_001363819.1); short protein forms P258A, P274A, P88A.
Identifiers: ClinVar variation 3361840 (VCV003361840.2).